The following is an entry in ClinVar:

ClinVar aggregate classification (germline): Uncertain significance (1 of 4 stars; one submission).

Allele frequency attached by ClinVar (database versions not stated): TOPMed below 0.00001.

Submission:

Ambry Genetics
Classification: Uncertain significance. Last evaluated: 2022-02-05. Review status: criteria provided, single submitter. Criteria: Ambry Variant Classification Scheme 2023. Collection method: clinical testing. Allele origin: germline.
Comment: The p.G45D variant (also known as c.134G>A), located in coding exon 2 of the IDH1 gene, results from a G to A substitution at nucleotide position 134. The glycine at codon 45 is replaced by aspartic acid, an amino acid with similar properties. This amino acid position is conserved. In addition, this alteration is predicted to be deleterious by in silico analysis. Since supporting evidence is limited at this time, the clinical significance of this alteration remains unclear.

NM_005896.4(IDH1):c.134G>A (p.Gly45Asp)

Gene: IDH1 (isocitrate dehydrogenase (NADP(+)) 1; minus strand). Cytogenetic location: 2q34.
Variant type: single nucleotide variant.
Coding change: c.134G>A on transcript NM_005896.4 (MANE Select); coding-DNA position 134, G replaced by A.
Protein change: p.Gly45Asp; replaces glycine 45 with aspartic acid.
Molecular consequence: missense variant.
Genome position (GRCh38, 1-based): chr2:208,248,649, C>T on the plus strand (G>A on the coding strand, the complement: IDH1 is on the minus strand). VCF-style: chr2-208248649-C-T. GRCh37 (hg19) VCF-style: chr2-209113373-C-T.
Other names: c.134G>A, p.Gly45Asp (NM_001282386.1, NM_001282387.1); short protein forms G45D.
Identifiers: ClinVar variation 1770573 (VCV001770573.2), dbSNP rs1688068182, ClinGen allele CA350102544.
Genomic context (GRCh38, chr2:208,248,649, plus strand): 5'-TTTATAGCTTCTGCAGCATCCTTGGTGACTTGGTCGTTGGTGGCATCACGATTCTCTATG[C>T]CTAAATCATAGCTTGAAAGAGAAAAATTAGAAGCAAAGTTTTTCAGACAAATGGATAGTT-3'
Protein context (NP_005887.2, residues 35-55): VELDLHSYDL[Gly45Asp]IENRDATNDQ